The following is an entry in ClinVar:

ClinVar aggregate classification (germline): Uncertain significance (1 of 4 stars; one submission).

Submission:

GeneDx
Classification: Uncertain significance. Last evaluated: 2024-06-06. Review status: criteria provided, single submitter. Criteria: GeneDx Variant Classification Process June 2021. Collection method: clinical testing. Allele origin: germline. Affected: yes.
Comment: Not observed at significant frequency in large population cohorts (gnomAD); In silico analysis indicates that this missense variant does not alter protein structure/function; Has not been previously published as pathogenic or benign to our knowledge

NM_000257.4(MYH7):c.154G>T (p.Val52Leu)

Gene: MYH7 (myosin heavy chain 7; minus strand). Cytogenetic location: 14q11.2.
Variant type: single nucleotide variant.
Coding change: c.154G>T on transcript NM_000257.4 (MANE Select); coding-DNA position 154, G replaced by T.
Protein change: p.Val52Leu; replaces valine 52 with leucine.
Molecular consequence: missense variant.
Genome position (GRCh38, 1-based): chr14:23,433,579, C>A on the plus strand (G>T on the coding strand, the complement: MYH7 is on the minus strand). VCF-style: chr14-23433579-C-A. GRCh37 (hg19) VCF-style: chr14-23902788-C-A.
Other names: c.154G>T, p.Val52Leu (NM_001407004.1); short protein forms V52L.
Identifiers: ClinVar variation 3384511 (VCV003384511.1).